The following is an entry in ClinVar:

NM_000287.4(PEX6):c.2082del (p.Gly695fs)

Gene: PEX6 (peroxisomal biogenesis factor 6; minus strand). Cytogenetic location: 6p21.1.
Variant type: Deletion.
Coding change: c.2082del on transcript NM_000287.4 (MANE Select); coding-DNA position 2082, one base deleted (T; older notation c.2082delT).
Protein change: p.Gly695fs; shifts the reading frame from glycine 695.
Molecular consequence: frameshift variant. On other transcripts: non-coding transcript variant (1).
Genome position (GRCh38, 1-based): chr6:42,966,537, A deleted on the plus strand (T on the coding strand, the reverse complement: PEX6 is on the minus strand); the first of 2 consecutive A bases (chr6:42,966,537-42,966,538); deleting either gives the same sequence. VCF-style (leftmost placement, unchanged base first): chr6-42966536-CA-C. GRCh37 (hg19) VCF-style: chr6-42934274-CA-C.
Other names: c.2082del (NM_000287.3); c.1818del, p.Gly607fs (NM_001316313.2); short protein forms G607fs, G695fs.
Identifiers: ClinVar variation 553235 (VCV000553235.13), dbSNP rs766483138, ClinGen allele CA3811134.

ClinVar aggregate classification (germline): Pathogenic/Likely pathogenic. Review status: criteria provided, multiple submitters, no conflicts (2 of 4 stars). 5 submissions from 5 submitters: Pathogenic (2); Likely pathogenic (2). 1 of the submissions does not count toward it. Last evaluated 2026-01-29.

Conditions:
Zellweger spectrum disorders (ZS). Also called: Zellweger Spectrum Disorder; Zellweger Spectrum; Zellweger Spectrum Disorder (ZSD); Zellweger syndrome. Identifiers: Orphanet 912, MedGen C0043459, MONDO:0019609.
Peroxisome biogenesis disorder. Identifiers: Orphanet 79189, MedGen C1832200, MONDO:0019234. Disease mechanism: loss of function.
Inborn genetic diseases. Identifiers: MedGen C0950123, MeSH D030342.
Heimler syndrome 2 (HMLR2). Also called: PEROXISOME BIOGENESIS DISORDER 4C. Identifiers: Orphanet 3220, MedGen C4225267, OMIM 616617, MONDO:0014709.
Peroxisome biogenesis disorder 4A (Zellweger) (PBD4A). Also called: Zellweger syndrome spectrum (PEX6-related). Identifiers: Orphanet 912, MedGen C3553936, MONDO:0013930, OMIM 614862. Disease mechanism: loss of function.
Peroxisome biogenesis disorder 4B (PBD4B). Also called: SPINOCEREBELLAR ATAXIA WITH BLINDNESS AND DEAFNESS 1. Identifiers: Orphanet 44, Orphanet 95433, MedGen C3553937, MONDO:0013931, OMIM 614863.

Submissions (5):

Natera, Inc.
Classification: Likely pathogenic for Zellweger syndrome. Last evaluated: 2026-01-29. Review status: criteria provided, single submitter. Criteria: Natera Variant Classification Schema (03/2026). Collection method: clinical testing. Allele origin: germline.
Comment: The c.2082delT variant in PEX6 is a frameshift variant predicted to shift the reading frame beginning at codon 695 and leads to a stop codon 19 codons downstream. This variant is expected to result in nonsense mediated decay, truncation, or a dysfunctional protein product. This variant is rare in the general population with a frequency below the threshold expected for the associated phenotype(s). Given the available evidence, this variant is classified as Likely Pathogenic.

Labcorp Genetics (formerly Invitae), Labcorp
Classification: Pathogenic for Peroxisome biogenesis disorder. Last evaluated: 2024-10-23. Review status: criteria provided, single submitter. Criteria: Invitae Variant Classification Sherloc (09022015). Collection method: clinical testing. Allele origin: germline.
Comment: This sequence change creates a premature translational stop signal (p.Gly695Glufs*19) in the PEX6 gene. It is expected to result in an absent or disrupted protein product. Loss-of-function variants in PEX6 are known to be pathogenic (PMID: 10408779, 21031596, 31831025). This variant is present in population databases (rs766483138, gnomAD 0.002%). This variant has not been reported in the literature in individuals affected with PEX6-related conditions. ClinVar contains an entry for this variant (Variation ID: 553235). For these reasons, this variant has been classified as Pathogenic.

Baylor Genetics
Classification: Likely pathogenic for Heimler syndrome 2. Last evaluated: 2023-04-22. Review status: criteria provided, single submitter. Criteria: ACMG Guidelines, 2015. Collection method: clinical testing. Allele origin: unknown.

Ambry Genetics
Classification: Pathogenic for Inborn genetic diseases. Last evaluated: 2022-03-16. Review status: criteria provided, single submitter. Criteria: Ambry Variant Classification Scheme 2023. Collection method: clinical testing. Allele origin: germline.
Comment: The c.2082delT (p.G695Efs*19) alteration, located in exon 10 (coding exon 10) of the PEX6 gene, consists of a deletion of one nucleotide at position 2082, causing a translational frameshift with a predicted alternate stop codon after 19 amino acids. This alteration is expected to result in loss of function by premature protein truncation or nonsense-mediated mRNA decay. Based on data from gnomAD, this allele has an overall frequency of 0.002% (2/251454) total alleles studied. The highest observed frequency was 0.001% (2/113736) of European (non-Finnish) alleles. Based on the available evidence, this alteration is classified as pathogenic.

Counsyl
Classification: Likely pathogenic for Peroxisome biogenesis disorder 4A (Zellweger); Peroxisome biogenesis disorder 4B. Last evaluated: 2017-08-08. Review status: no assertion criteria provided. Collection method: clinical testing. Allele origin: unknown. Not counted in ClinVar's aggregate classification.

Literature cited by the submitters: PubMed 10408779 (cited by Labcorp Genetics (formerly Invitae), Labcorp); PubMed 21031596 (cited by Labcorp Genetics (formerly Invitae), Labcorp); PubMed 31831025 (cited by Labcorp Genetics (formerly Invitae), Labcorp).